The following is an entry in ClinVar:

NM_004320.6(ATP2A1):c.2943C>T (p.Asp981=)

Gene: ATP2A1 (ATPase sarcoplasmic/endoplasmic reticulum Ca2+ transporting 1; plus strand). Cytogenetic location: 16p11.2.
Variant type: single nucleotide variant.
Coding change: c.2943C>T on transcript NM_004320.6 (MANE Select); coding-DNA position 2943, C replaced by T.
Protein change: p.Asp981=; no amino-acid change (aspartic acid 981 retained).
Molecular consequence: synonymous variant.
Genome position (GRCh38, 1-based): chr16:28,903,403, C>T. VCF-style: chr16-28903403-C-T. GRCh37 (hg19) VCF-style: chr16-28914724-C-T.
Other names: c.2568C>T, p.Asp856= (NM_001286075.2); c.2943C>T, p.Asp981= (NM_173201.5).
Identifiers: ClinVar variation 532731 (VCV000532731.12), dbSNP rs146599017, ClinGen allele CA7987454.

ClinVar aggregate classification (germline): Likely benign. Review status: criteria provided, multiple submitters, no conflicts (2 of 4 stars). 3 submissions from 3 submitters: Likely benign (2). 1 of the submissions does not count toward it. Last evaluated 2025-05-25.

Conditions:
ATP2A1-related disorder. Also called: ATP2A1-related condition.
Brody myopathy. Also called: BRODY DISEASE. Identifiers: Orphanet 53347, MedGen C1832918, MONDO:0010977, OMIM 601003.

Allele frequency attached by ClinVar (database versions not stated): gnomAD exomes 0.00010; ExAC 0.00011; 1000 Genomes Project 0.00020; gnomAD 0.00025 and 0.00026; 1000 Genomes Project 30x 0.00031; TOPMed 0.00033; ESP Exome Variant Server 0.00054.
gnomAD v4.1: 91 of 1,613,996 alleles (0.0056%); highest among the groups gnomAD compares: African/African-American, 0.089%; no homozygotes.

Submissions (3):

Labcorp Genetics (formerly Invitae), Labcorp
Classification: Likely benign for Brody myopathy. Last evaluated: 2025-05-25. Review status: criteria provided, single submitter. Criteria: Invitae Variant Classification Sherloc (09022015). Collection method: clinical testing. Allele origin: germline.

Laboratory of Genetics, Children's Clinical University Hospital Latvia
Classification: Likely benign. Last evaluated: 2025-02-16. Review status: criteria provided, single submitter. Criteria: ACMG Guidelines, 2015. Collection method: clinical testing. Allele origin: germline. Affected: yes.

PreventionGenetics, part of Exact Sciences
Classification: Likely benign for ATP2A1-related condition. Last evaluated: 2021-02-11. Review status: no assertion criteria provided. Collection method: clinical testing. Allele origin: germline. Not counted in ClinVar's aggregate classification.
Comment: This variant is classified as likely benign based on ACMG/AMP sequence variant interpretation guidelines (Richards et al. 2015 PMID: 25741868, with internal and published modifications).